The following is an entry in ClinVar:

ClinVar aggregate classification (germline): Uncertain significance (1 of 4 stars; one submission).

Conditions:
Cardiovascular phenotype. Identifiers: MedGen CN230736.

Submission:

Ambry Genetics
Classification: Uncertain significance for Cardiovascular phenotype. Last evaluated: 2023-03-09. Review status: criteria provided, single submitter. Criteria: Ambry Variant Classification Scheme 2023. Collection method: clinical testing. Allele origin: germline.
Comment: The p.E3753* variant (also known as c.11257G>T), located in coding exon 46 of the AKAP9 gene, results from a G to T substitution at nucleotide position 11257. This changes the amino acid from a glutamic acid to a stop codon within coding exon 46. This alteration is expected to result in loss of function by premature protein truncation or nonsense-mediated mRNA decay. However, the evidence for this gene-disease relationship is limited; therefore, the clinical significance of this alteration is unclear.

NM_005751.5(AKAP9):c.11257G>T (p.Glu3753Ter)

Gene: AKAP9 (A-kinase anchoring protein 9; plus strand). Cytogenetic location: 7q21.2.
Variant type: single nucleotide variant.
Coding change: c.11257G>T on transcript NM_005751.5 (MANE Select); coding-DNA position 11257, G replaced by T.
Protein change: p.Glu3753Ter; replaces glutamic acid 3753 with a stop codon.
Molecular consequence: nonsense.
Genome position (GRCh38, 1-based): chr7:92,102,753, G>T. VCF-style: chr7-92102753-G-T. GRCh37 (hg19) VCF-style: chr7-91732067-G-T.
Other names: c.5902G>T, p.Glu1968Ter (NM_001379277.1); c.11233G>T, p.Glu3745Ter (NM_147185.3); short protein forms E1968*, E3753*, E3745*.
Identifiers: ClinVar variation 2449792 (VCV002449792.2), dbSNP rs2535318428, ClinGen allele CA368162576.